The following is an entry in ClinVar:

NM_017780.4(CHD7):c.8173A>G (p.Ile2725Val)

Gene: CHD7 (chromodomain helicase DNA binding protein 7; plus strand). Cytogenetic location: 8q12.2.
Variant type: single nucleotide variant.
Coding change: c.8173A>G on transcript NM_017780.4 (MANE Select); coding-DNA position 8173, A replaced by G.
Protein change: p.Ile2725Val; replaces isoleucine 2725 with valine.
Molecular consequence: missense variant.
Genome position (GRCh38, 1-based): chr8:60,865,112, A>G. VCF-style: chr8-60865112-A-G. GRCh37 (hg19) VCF-style: chr8-61777671-A-G.
Other names: c.2026A>G, p.Ile676Val (NM_001316690.1); short protein forms I676V, I2725V.
Identifiers: ClinVar variation 1418416 (VCV001418416.6), dbSNP rs113877656, ClinGen allele CA177329150.

ClinVar aggregate classification (germline): Uncertain significance (1 of 4 stars; one submission).

Conditions:
CHARGE syndrome (CHARGE). Also called: Coloboma, heart anomaly, choanal atresia, retardation, genital and ear anomalies; CHARGE association; Hall-Hittner syndrome; Hittner Hirsch Kreh syndrome; CHARGE ASSOCIATION--COLOBOMA, HEART ANOMALY, CHOANAL ATRESIA, RETARDATION, GENITAL AND EAR ANOMALIES. Identifiers: Orphanet 138, MedGen C0265354, MONDO:0008965.

gnomAD v4.1: 4 of 1,611,038 alleles (0.00025%); no homozygotes.

Submission:

Labcorp Genetics (formerly Invitae), Labcorp
Classification: Uncertain significance for CHARGE syndrome. Last evaluated: 2022-07-18. Review status: criteria provided, single submitter. Criteria: Invitae Variant Classification Sherloc (09022015). Collection method: clinical testing. Allele origin: germline.
Comment: This sequence change replaces isoleucine, which is neutral and non-polar, with valine, which is neutral and non-polar, at codon 2725 of the CHD7 protein (p.Ile2725Val). In summary, the available evidence is currently insufficient to determine the role of this variant in disease. Therefore, it has been classified as a Variant of Uncertain Significance. Advanced modeling of protein sequence and biophysical properties (such as structural, functional, and spatial information, amino acid conservation, physicochemical variation, residue mobility, and thermodynamic stability) performed at Invitae indicates that this missense variant is not expected to disrupt CHD7 protein function. ClinVar contains an entry for this variant (Variation ID: 1418416). This variant has not been reported in the literature in individuals affected with CHD7-related conditions. This variant is not present in population databases (gnomAD no frequency).